The following is an entry in ClinVar:

NM_001077350.3(NPRL3):c.818A>G (p.Glu273Gly)

Genes: HBA-LCR (alpha-globin locus control region; plus strand), NPRL3 (NPR3 like, GATOR1 complex subunit; minus strand). Cytogenetic location: 16p13.3.
Variant type: single nucleotide variant.
Coding change: c.818A>G on transcript NM_001077350.3 (MANE Select); coding-DNA position 818, A replaced by G.
Protein change: p.Glu273Gly; replaces glutamic acid 273 with glycine.
Molecular consequence: missense variant.
Genome position (GRCh38, 1-based): chr16:98,251, T>C on the plus strand (A>G on the coding strand, the complement: NPRL3 is on the minus strand). VCF-style: chr16-98251-T-C. GRCh37 (hg19) VCF-style: chr16-148249-T-C.
Other names: c.281A>G, p.Glu94Gly (NM_001039476.3); c.584A>G, p.Glu195Gly (NM_001243247.2); c.743A>G, p.Glu248Gly (NM_001243248.2, NM_001243249.2); short protein forms E195G, E248G, E273G, E94G.
Identifiers: ClinVar variation 3371350 (VCV003371350.1).
Genomic context (GRCh38, chr16:98,251, plus strand): 5'-TTCACAGCAGATGTGGTCTTGATCACCCGCACTAGGGCAGGGGAGCAGTCAATAGGAAGC[T>C]CACCCAGCAAGGACTTCTCATCACTGAGCAGCAGCAGGGCATGGTAGGGGCTGCAAAACA-3'
Protein context (NP_001070818.1, residues 263-283): LLSDEKSLLG[Glu273Gly]LPIDCSPALV

ClinVar aggregate classification (germline): Uncertain significance (1 of 4 stars; one submission).

gnomAD v4.1: 1 of 1,613,956 alleles (0.000062%); highest among the groups gnomAD compares: Non-Finnish European, 0.000085%; no homozygotes.

Submission:

GeneDx
Classification: Uncertain significance. Last evaluated: 2024-03-21. Review status: criteria provided, single submitter. Criteria: GeneDx Variant Classification Process June 2021. Collection method: clinical testing. Allele origin: germline. Affected: yes.
Comment: Not observed at significant frequency in large population cohorts (gnomAD); In silico analysis supports that this missense variant has a deleterious effect on protein structure/function; Has not been previously published as pathogenic or benign to our knowledge